The following is an entry in ClinVar:

NM_000234.3(LIG1):c.665G>A (p.Arg222His)

Gene: LIG1 (DNA ligase 1; minus strand). Cytogenetic location: 19q13.33.
Variant type: single nucleotide variant.
Coding change: c.665G>A on transcript NM_000234.3 (MANE Select); coding-DNA position 665, G replaced by A.
Protein change: p.Arg222His; replaces arginine 222 with histidine.
Molecular consequence: missense variant. On other transcripts: non-coding transcript variant (6).
Genome position (GRCh38, 1-based): chr19:48,150,120, C>T on the plus strand (G>A on the coding strand, the complement: LIG1 is on the minus strand). VCF-style: chr19-48150120-C-T. GRCh37 (hg19) VCF-style: chr19-48653377-C-T.
Other names: c.572G>A, p.Arg191His (NM_001289063.2); c.461G>A, p.Arg154His (NM_001289064.2); c.662G>A, p.Arg221His (NM_001320970.2); c.575G>A, p.Arg192His (NM_001320971.2); short protein forms R154H, R191H, R221H, R222H, R192H.
Identifiers: ClinVar variation 1348736 (VCV001348736.6), dbSNP rs1298186047, ClinGen allele CA9547186.

ClinVar aggregate classification (germline): Uncertain significance (1 of 4 stars; one submission).

Allele frequency attached by ClinVar (database versions not stated): gnomAD exomes 0.00002; ExAC 0.00003; gnomAD 0.00003 and 0.00004.
gnomAD v4.1: 22 of 1,614,050 alleles (0.0014%); highest among the groups gnomAD compares: African/African-American, 0.0027%; no homozygotes.

Submission:

Labcorp Genetics (formerly Invitae), Labcorp
Classification: Uncertain significance. Last evaluated: 2023-08-24. Review status: criteria provided, single submitter. Criteria: Invitae Variant Classification Sherloc (09022015). Collection method: clinical testing. Allele origin: germline.
Comment: This variant is present in population databases (no rsID available, gnomAD 0.003%). This variant has not been reported in the literature in individuals affected with LIG1-related conditions. ClinVar contains an entry for this variant (Variation ID: 1348736). An algorithm developed to predict the effect of missense changes on protein structure and function (PolyPhen-2) suggests that this variant¬†is likely to be tolerated. In summary, the available evidence is currently insufficient to determine the role of this variant in disease. Therefore, it has been classified as a Variant of Uncertain Significance. This sequence change replaces arginine, which is basic and polar, with histidine, which is basic and polar, at codon 222 of the LIG1 protein (p.Arg222His).